The following is an entry in ClinVar:

NM_000391.4(TPP1):c.1551+1del

Gene: TPP1 (tripeptidyl peptidase 1; minus strand). Cytogenetic location: 11p15.4.
Variant type: Deletion.
Coding change: c.1551+1del on transcript NM_000391.4 (MANE Select); the canonical splice donor site of the intron after coding-DNA position 1551, one base deleted (G; older notation c.1551+1delG).
Molecular consequence: splice donor variant.
Genome position (GRCh38, 1-based): chr11:6,614,865, C deleted on the plus strand (G on the coding strand, the reverse complement: TPP1 is on the minus strand). VCF-style (leftmost placement, unchanged base first): chr11-6614864-AC-A. GRCh37 (hg19) VCF-style: chr11-6636095-AC-A.
Identifiers: ClinVar variation 2835888 (VCV002835888.3), dbSNP rs2493795720, ClinGen allele CA2739276182.

ClinVar aggregate classification (germline): Pathogenic (1 of 4 stars; one submission).

Submission:

Labcorp Genetics (formerly Invitae), Labcorp
Classification: Pathogenic. Last evaluated: 2023-08-10. Review status: criteria provided, single submitter. Criteria: Invitae Variant Classification Sherloc (09022015). Collection method: clinical testing. Allele origin: germline.
Comment: For these reasons, this variant has been classified as Pathogenic. This variant disrupts a region of the TPP1 protein in which other variant(s) (p.Trp542*) have been determined to be pathogenic (PMID: 31283065; Invitae). This suggests that this is a clinically significant region of the protein, and that variants that disrupt it are likely to be disease-causing. Variants that disrupt the consensus splice site are a relatively common cause of aberrant splicing (PMID: 17576681, 9536098). Algorithms developed to predict the effect of sequence changes on RNA splicing suggest that this variant may disrupt the consensus splice site. This variant has not been reported in the literature in individuals affected with TPP1-related conditions. This variant is not present in population databases (gnomAD no frequency). This sequence change affects a splice site in intron 12 of the TPP1 gene. While this variant is not anticipated to result in nonsense mediated decay, it likely alters RNA splicing and results in a disrupted protein product.

Literature cited by the submitters: PubMed 31283065; PubMed 17576681; PubMed 9536098.